The following is an entry in ClinVar:

ClinVar aggregate classification (germline): Uncertain significance. Review status: criteria provided, multiple submitters, no conflicts (2 of 4 stars). 2 submissions from 2 submitters: Uncertain significance (2). Last evaluated 2019-08-27.

Submissions (2):

Labcorp Genetics (formerly Invitae), Labcorp
Classification: Uncertain significance. Last evaluated: 2019-08-27. Review status: criteria provided, single submitter. Criteria: Invitae Variant Classification Sherloc (09022015). Collection method: clinical testing. Allele origin: germline.
Comment: In summary, the available evidence is currently insufficient to determine the role of this variant in disease. Therefore, it has been classified as a Variant of Uncertain Significance. Algorithms developed to predict the effect of missense changes on protein structure and function are either unavailable or do not agree on the potential impact of this missense change (SIFT: "Deleterious"; PolyPhen-2: "Probably Damaging"; Align-GVGD: "Class C0"). This variant has not been reported in the literature in individuals with SNRNP200-related conditions. This variant is not present in population databases (ExAC no frequency). This sequence change replaces glycine with aspartic acid at codon 1618 of the SNRNP200 protein (p.Gly1618Asp). The glycine residue is highly conserved and there is a moderate physicochemical difference between glycine and aspartic acid.

GeneDx
Classification: Uncertain significance. Last evaluated: 2019-08-26. Review status: criteria provided, single submitter. Criteria: GeneDx Variant Classification Process June 2021. Collection method: clinical testing. Allele origin: germline. Affected: yes.
Comment: Not observed in large population cohorts (Lek et al., 2016); In silico analysis, which includes protein predictors and evolutionary conservation, supports a deleterious effect; Has not been previously published as pathogenic or benign to our knowledge

NM_014014.5(SNRNP200):c.4853G>A (p.Gly1618Asp)

Gene: SNRNP200 (small nuclear ribonucleoprotein U5 subunit 200; minus strand). Cytogenetic location: 2q11.2.
Variant type: single nucleotide variant.
Coding change: c.4853G>A on transcript NM_014014.5 (MANE Select); coding-DNA position 4853, G replaced by A.
Protein change: p.Gly1618Asp; replaces glycine 1618 with aspartic acid.
Molecular consequence: missense variant.
Genome position (GRCh38, 1-based): chr2:96,283,263, C>T on the plus strand (G>A on the coding strand, the complement: SNRNP200 is on the minus strand). VCF-style: chr2-96283263-C-T. GRCh37 (hg19) VCF-style: chr2-96949001-C-T.
Other names: short protein forms G1618D.
Identifiers: ClinVar variation 943463 (VCV000943463.11), dbSNP rs2063816589, ClinGen allele CA347663314.
Genomic context (GRCh38, chr2:96,283,263, plus strand): 5'-GAGCTGAAGAGCTGCTCCACCAGGCGTCGCTCCATGGGGCTGAGCCCCTCATGCAGGTAG[C>T]CCACCCCATTTAGCAGCGTTTCCTTGAGCGTGCTGTCACTTAGCTTCTCCAGGTACGGAA-3'
Protein context (NP_054733.2, residues 1608-1628): TLKETLLNGV[Gly1618Asp]YLHEGLSPME